The following is an entry in ClinVar:

ClinVar aggregate classification (germline): Uncertain significance. Review status: criteria provided, multiple submitters, no conflicts (2 of 4 stars). 3 submissions from 3 submitters: Uncertain significance (3). Last evaluated 2026-03-24.

Conditions:
TFG-related disorder. Also called: TFG-related disorders; TFG-related condition.
Hereditary spastic paraplegia 57. Also called: Spastic paraplegia 57, autosomal recessive. Identifiers: Orphanet 431329, MedGen C3714897, MONDO:0014295, OMIM 615658.
Hereditary motor and sensory neuropathy, Okinawa type (HMSNO). Also called: HEREDITARY MOTOR AND SENSORY NEUROPATHY, PROXIMAL TYPE. Identifiers: Orphanet 90117, MedGen C1858338, MONDO:0011468, OMIM 604484.
Inborn genetic diseases. Identifiers: MedGen C0950123, MeSH D030342.

Allele frequency attached by ClinVar (database versions not stated): gnomAD 0.00003; TOPMed 0.00009.
gnomAD v4.1: 12 of 1,614,024 alleles (0.00074%); highest among the groups gnomAD compares: East Asian, 0.016%; no homozygotes.

Submissions (3):

PreventionGenetics, part of Exact Sciences
Classification: Uncertain significance for TFG-related condition. Last evaluated: 2026-03-24. Review status: criteria provided, single submitter. Criteria: ACMG Guidelines, 2015. Collection method: clinical testing. Allele origin: germline.
Comment: The TFG c.882A>C variant is predicted to result in the amino acid substitution p.Gln294His. To our knowledge, this variant has not been reported in the literature. This variant is reported in 0.011% of alleles in individuals of East Asian descent in gnomAD. At this time, the clinical significance of this variant is uncertain due to the absence of conclusive functional and genetic evidence.

Labcorp Genetics (formerly Invitae), Labcorp
Classification: Uncertain significance for Hereditary motor and sensory neuropathy, Okinawa type; Hereditary spastic paraplegia 57. Last evaluated: 2025-10-19. Review status: criteria provided, single submitter. Criteria: Invitae Variant Classification Sherloc (09022015). Collection method: clinical testing. Allele origin: germline.
Comment: This sequence change replaces glutamine, which is neutral and polar, with histidine, which is basic and polar, at codon 294 of the TFG protein (p.Gln294His). This variant is present in population databases (rs751393611, gnomAD 0.01%). This variant has not been reported in the literature in individuals affected with TFG-related conditions. ClinVar contains an entry for this variant (Variation ID: 575628). Invitae Evidence Modeling of protein sequence and biophysical properties (such as structural, functional, and spatial information, amino acid conservation, physicochemical variation, residue mobility, and thermodynamic stability) indicates that this missense variant is not expected to disrupt TFG protein function with a negative predictive value of 80%. In summary, the available evidence is currently insufficient to determine the role of this variant in disease. Therefore, it has been classified as a Variant of Uncertain Significance.

Ambry Genetics
Classification: Uncertain significance for Inborn genetic diseases. Last evaluated: 2024-05-15. Review status: criteria provided, single submitter. Criteria: Ambry Variant Classification Scheme 2023. Collection method: clinical testing. Allele origin: germline.

NM_006070.6(TFG):c.882A>C (p.Gln294His)

Gene: TFG (trafficking from ER to golgi regulator; plus strand). Cytogenetic location: 3q12.2.
Variant type: single nucleotide variant.
Coding change: c.882A>C on transcript NM_006070.6 (MANE Select); coding-DNA position 882, A replaced by C.
Protein change: p.Gln294His; replaces glutamine 294 with histidine.
Molecular consequence: missense variant.
Genome position (GRCh38, 1-based): chr3:100,748,210, A>C. VCF-style: chr3-100748210-A-C. GRCh37 (hg19) VCF-style: chr3-100467054-A-C.
Other names: c.882A>C, p.Gln294His (NM_001007565.2, NM_001195478.2); c.870A>C, p.Gln290His (NM_001195479.2); short protein forms Q294H, Q290H.
Identifiers: ClinVar variation 575628 (VCV000575628.12), dbSNP rs751393611, ClinGen allele CA2517225.